The following is an entry in ClinVar:

NC_000002.12:g.(?_135950413)_(136118080_?)del

Genes: CXCR4 (C-X-C motif chemokine receptor 4; minus strand), DARS1 (aspartyl-tRNA synthetase 1; minus strand), DARS1-AS1 (DARS1 antisense RNA 1; plus strand), LOC129388923 (MPRA-validated peak3879 silencer; plus strand), LOC129934842 (ATAC-STARR-seq lymphoblastoid silent region 11984; plus strand) and 6 more. Cytogenetic location: 2q21.3-22.1.
Variant type: Deletion.
Identifiers: ClinVar variation 650197 (VCV000650197.2).

ClinVar aggregate classification (germline): Uncertain significance (1 of 4 stars; one submission).

Conditions:
Warts, hypogammaglobulinemia, infections, and myelokathexis. Also called: WHIM syndrome. Identifiers: MedGen C0472817, MONDO:0023880.

Submission:

Labcorp Genetics (formerly Invitae), Labcorp
Classification: Uncertain significance for Warts, hypogammaglobulinemia, infections, and myelokathexis. Last evaluated: 2018-09-06. Review status: criteria provided, single submitter. Criteria: Invitae Variant Classification Sherloc (09022015). Collection method: clinical testing. Allele origin: germline.
Comment: A gross deletion of the genomic region encompassing the full coding sequence of the CXCR4 gene has been identified. The boundaries of this event are unknown as the deletion extends beyond the assayed region for this gene and therefore may encompass additional genes. This variant has not been reported in the literature in individuals with CXCR4-related disease. The current clinical and genetic evidence is not sufficient to establish whether loss-of-function variants in CXCR4 cause disease. In summary, the available evidence is currently insufficient to determine the role of this variant in disease. Therefore, it has been classified as a Variant of Uncertain Significance.